The following is an entry in ClinVar:

NM_001365999.1(SZT2):c.8594C>G (p.Pro2865Arg)

Gene: SZT2 (SZT2 subunit of KICSTOR complex; plus strand). Cytogenetic location: 1p34.2.
Variant type: single nucleotide variant.
Coding change: c.8594C>G on transcript NM_001365999.1 (MANE Select); coding-DNA position 8594, C replaced by G.
Protein change: p.Pro2865Arg; replaces proline 2865 with arginine.
Molecular consequence: missense variant.
Genome position (GRCh38, 1-based): chr1:43,443,446, C>G. VCF-style: chr1-43443446-C-G. GRCh37 (hg19) VCF-style: chr1-43909117-C-G.
Other names: c.8423C>G, p.Pro2808Arg (NM_015284.4); short protein forms P2808R, P2865R.
Identifiers: ClinVar variation 1308912 (VCV001308912.10), dbSNP rs374031590, ClinGen allele CA810606.

ClinVar aggregate classification (germline): Uncertain significance. Review status: criteria provided, multiple submitters, no conflicts (2 of 4 stars). 4 submissions from 4 submitters: Uncertain significance (4). Last evaluated 2025-11-26.

Conditions:
Developmental and epileptic encephalopathy, 18 (DEE18). Also called: Early infantile epileptic encephalopathy 18. Identifiers: Orphanet 369894, MedGen C3809624, MONDO:0014201, OMIM 615476.
Inborn genetic diseases. Identifiers: MedGen C0950123, MeSH D030342.

Allele frequency attached by ClinVar (database versions not stated): ESP Exome Variant Server 0.00023.
gnomAD v4.1: 13 of 1,614,202 alleles (0.00081%); highest among the groups gnomAD compares: African/African-American, 0.015%; no homozygotes.

Submissions (4):

Ambry Genetics
Classification: Uncertain significance for Inborn genetic diseases. Last evaluated: 2025-11-26. Review status: criteria provided, single submitter. Criteria: Ambry Variant Classification Scheme 2023. Collection method: clinical testing. Allele origin: germline.
Comment: The c.8423C>G (p.P2808R) alteration is located in exon 60 (coding exon 60) of the SZT2 gene. This alteration results from a C to G substitution at nucleotide position 8423, causing the proline (P) at amino acid position 2808 to be replaced by an arginine (R). Based on data from gnomAD, the G allele has an overall frequency of 0.002% (5/282452) total alleles studied. The highest observed frequency was 0.012% (3/24908) of African alleles. Based on insufficient or conflicting evidence, the clinical significance of this alteration remains unclear.

Labcorp Genetics (formerly Invitae), Labcorp
Classification: Uncertain significance. Last evaluated: 2024-12-02. Review status: criteria provided, single submitter. Criteria: Invitae Variant Classification Sherloc (09022015). Collection method: clinical testing. Allele origin: germline.
Comment: This sequence change replaces proline, which is neutral and non-polar, with arginine, which is basic and polar, at codon 2808 of the SZT2 protein (p.Pro2808Arg). This variant is present in population databases (rs374031590, gnomAD 0.02%). This variant has not been reported in the literature in individuals affected with SZT2-related conditions. ClinVar contains an entry for this variant (Variation ID: 1308912). Invitae Evidence Modeling of protein sequence and biophysical properties (such as structural, functional, and spatial information, amino acid conservation, physicochemical variation, residue mobility, and thermodynamic stability) indicates that this missense variant is not expected to disrupt SZT2 protein function with a negative predictive value of 80%. In summary, the available evidence is currently insufficient to determine the role of this variant in disease. Therefore, it has been classified as a Variant of Uncertain Significance.

Genome-Nilou Lab
Classification: Uncertain significance for Developmental and epileptic encephalopathy, 18. Last evaluated: 2023-04-11. Review status: criteria provided, single submitter. Criteria: ACMG Guidelines, 2015. Collection method: clinical testing. Allele origin: germline. Affected: no.

GeneDx
Classification: Uncertain significance. Last evaluated: 2021-04-30. Review status: criteria provided, single submitter. Criteria: GeneDx Variant Classification Process June 2021. Collection method: clinical testing. Allele origin: germline. Affected: yes.
Comment: Has not been previously published as pathogenic or benign to our knowledge; Not observed at significant frequency in large population cohorts (Lek et al., 2016); In silico analysis supports that this missense variant does not alter protein structure/function; This variant is associated with the following publications: (PMID: 27535533)